The following is an entry in ClinVar:

ClinVar aggregate classification (germline): Uncertain significance (1 of 4 stars; one submission).

Conditions:
Cardiomyopathy (CMYO). Also called: Cardiomyopathies. Identifiers: Orphanet 167848, MedGen C0878544, MONDO:0004994, HP:0001638. Inheritance: Various modes of inheritance.

gnomAD v4.1: 1 of 1,614,112 alleles (0.000062%); highest among the groups gnomAD compares: Non-Finnish European, 0.000085%; no homozygotes.

Submission:

Color Diagnostics, LLC DBA Color Health
Classification: Uncertain significance for Cardiomyopathy. Last evaluated: 2025-08-30. Review status: criteria provided, single submitter. Criteria: ACMG Guidelines, 2015. Collection method: clinical testing. Allele origin: germline.
Comment: This missense variant replaces glutamic acid with glycine at codon 1202 of the DSP protein. Computational prediction is inconclusive regarding the impact of this variant on protein structure and function. To our knowledge, functional studies have not been reported for this variant. This variant has not been reported in individuals affected with DSP-related disorders in the literature. This variant has not been identified in the general population by the Genome Aggregation Database (gnomAD). The available evidence is insufficient to determine the role of this variant in disease conclusively. Therefore, this variant is classified as a Variant of Uncertain Significance.

NM_004415.4(DSP):c.3605A>G (p.Glu1202Gly)

Gene: DSP (desmoplakin; plus strand). Cytogenetic location: 6p24.3.
Variant type: single nucleotide variant.
Coding change: c.3605A>G on transcript NM_004415.4 (MANE Select); coding-DNA position 3605, A replaced by G.
Protein change: p.Glu1202Gly; replaces glutamic acid 1202 with glycine.
Molecular consequence: missense variant. On other transcripts: intron variant (1).
Genome position (GRCh38, 1-based): chr6:7,579,795, A>G. VCF-style: chr6-7579795-A-G. GRCh37 (hg19) VCF-style: chr6-7580028-A-G.
Other names: c.3605A>G, p.Glu1202Gly (NM_001319034.2); c.3582+23A>G (NM_001008844.3); short protein forms E1202G.
Identifiers: ClinVar variation 4758399 (VCV004758399.1).